The following is an entry in ClinVar:

NM_002180.3(IGHMBP2):c.847G>A (p.Val283Ile)

Gene: IGHMBP2 (immunoglobulin mu DNA binding protein 2; plus strand). Cytogenetic location: 11q13.3.
Variant type: single nucleotide variant.
Coding change: c.847G>A on transcript NM_002180.3 (MANE Select); coding-DNA position 847, G replaced by A.
Protein change: p.Val283Ile; replaces valine 283 with isoleucine.
Molecular consequence: missense variant.
Genome position (GRCh38, 1-based): chr11:68,914,958, G>A. VCF-style: chr11-68914958-G-A. GRCh37 (hg19) VCF-style: chr11-68682426-G-A.
Other names: short protein forms V283I.
Identifiers: ClinVar variation 1058330 (VCV001058330.9), dbSNP rs2154007221, ClinGen allele CA381644481.

ClinVar aggregate classification (germline): Uncertain significance (1 of 4 stars; one submission).

Conditions:
Autosomal recessive distal spinal muscular atrophy 1. Also called: NEURONOPATHY, DISTAL HEREDITARY MOTOR, HARDING TYPE VI; NEUROPATHY, DISTAL HEREDITARY MOTOR, AUTOSOMAL RECESSIVE 1; NEURONOPATHY, SEVERE INFANTILE AXONAL, WITH RESPIRATORY FAILURE; HMN VI; SEVERE INFANTILE AXONAL NEUROPATHY WITH RESPIRATORY FAILURE; SPINAL MUSCULAR ATROPHY, DIAPHRAGMATIC. Identifiers: Orphanet 98920, MedGen C1858517, MONDO:0011436, OMIM 604320.
Charcot-Marie-Tooth disease axonal type 2S. Also called: CHARCOT-MARIE-TOOTH NEUROPATHY, TYPE 2S; CHARCOT-MARIE-TOOTH DISEASE, AXONAL, AUTOSOMAL RECESSIVE, TYPE 2S. Identifiers: Orphanet 443073, MedGen C4015349, MONDO:0014511, OMIM 616155.

Submission:

Labcorp Genetics (formerly Invitae), Labcorp
Classification: Uncertain significance for Autosomal recessive distal spinal muscular atrophy 1; Charcot-Marie-Tooth disease axonal type 2S. Last evaluated: 2020-09-20. Review status: criteria provided, single submitter. Criteria: Invitae Variant Classification Sherloc (09022015). Collection method: clinical testing. Allele origin: germline.
Comment: This variant is not present in population databases (ExAC no frequency). This sequence change replaces valine with isoleucine at codon 283 of the IGHMBP2 protein (p.Val283Ile). The valine residue is moderately conserved and there is a small physicochemical difference between valine and isoleucine. This variant has not been reported in the literature in individuals with IGHMBP2-related conditions. In summary, the available evidence is currently insufficient to determine the role of this variant in disease. Therefore, it has been classified as a Variant of Uncertain Significance. Advanced modeling of protein sequence and biophysical properties (such as structural, functional, and spatial information, amino acid conservation, physicochemical variation, residue mobility, and thermodynamic stability) performed at Invitae indicates that this missense variant is not expected to disrupt IGHMBP2 protein function.